The following is an entry in ClinVar:

ClinVar aggregate classification (germline): Likely benign (1 of 4 stars; one submission).

Submission:

CeGaT Center for Human Genetics Tuebingen
Classification: Likely benign. Last evaluated: 2026-09-01. Review status: criteria provided, single submitter. Criteria: CeGaT Center For Human Genetics Tuebingen Variant Classification Criteria Version 2. Collection method: clinical testing. Allele origin: germline. Affected: yes. Observed: 2 variant alleles.
Comment: ARFGEF1: BP4

NM_006421.5(ARFGEF1):c.5394T>C (p.Ala1798=)

Gene: ARFGEF1 (ARF guanine nucleotide exchange factor 1; minus strand). Cytogenetic location: 8q13.2.
Variant type: single nucleotide variant.
Coding change: c.5394T>C on transcript NM_006421.5 (MANE Select); coding-DNA position 5394, T replaced by C.
Protein change: p.Ala1798=; no amino-acid change (alanine 1798 retained).
Molecular consequence: synonymous variant. On other transcripts: non-coding transcript variant (1), intron variant (2).
Genome position (GRCh38, 1-based): chr8:67,199,090, A>G on the plus strand (T>C on the coding strand, the complement: ARFGEF1 is on the minus strand). VCF-style: chr8-67199090-A-G. GRCh37 (hg19) VCF-style: chr8-68111325-A-G.
Other names: c.5394T>C, p.Ala1798= (NM_001413184.1); c.5376T>C, p.Ala1792= (NM_001413185.1, NM_001413189.1); c.4794T>C, p.Ala1598= (NM_001413188.1, NM_001413197.1); c.5388T>C, p.Ala1796= (NM_001413190.1); c.5298T>C, p.Ala1766= (NM_001413191.1); c.5280T>C, p.Ala1760= (NM_001413192.1); c.3969T>C, p.Ala1323= (NM_001413196.1); c.5367+1306T>C (NM_001413186.1); and 1 more.
Identifiers: ClinVar variation 4281124 (VCV004281124.7).